The following is an entry in ClinVar:

ClinVar aggregate classification (germline): Uncertain significance (1 of 4 stars; one submission).

Conditions:
Severe combined immunodeficiency due to DNA-PKcs deficiency. Also called: IMMUNODEFICIENCY 26 WITH NEUROLOGIC ABNORMALITIES; Immunodeficiency 26 with or without neurologic abnormalities. Identifiers: Orphanet 317425, MedGen C4014833, MONDO:0014423, OMIM 615966.

Submission:

Labcorp Genetics (formerly Invitae), Labcorp
Classification: Uncertain significance for Severe combined immunodeficiency due to DNA-PKcs deficiency. Last evaluated: 2020-07-30. Review status: criteria provided, single submitter. Criteria: Invitae Variant Classification Sherloc (09022015). Collection method: clinical testing. Allele origin: germline.
Comment: In summary, the available evidence is currently insufficient to determine the role of this variant in disease. Therefore, it has been classified as a Variant of Uncertain Significance. Experimental studies and prediction algorithms are not available or were not evaluated, and the functional significance of this variant is currently unknown. This variant has not been reported in the literature in individuals with PRKDC-related conditions. This variant is not present in population databases (ExAC no frequency). This sequence change replaces glutamic acid with glutamine at codon 4095 of the PRKDC protein (p.Glu4095Gln). The glutamic acid residue is weakly conserved and there is a small physicochemical difference between glutamic acid and glutamine.

NM_006904.7(PRKDC):c.12283G>C (p.Glu4095Gln)

Gene: PRKDC (protein kinase, DNA-activated, catalytic subunit; minus strand). Cytogenetic location: 8q11.21.
Variant type: single nucleotide variant.
Coding change: c.12283G>C on transcript NM_006904.7 (MANE Select); coding-DNA position 12283, G replaced by C.
Protein change: p.Glu4095Gln; replaces glutamic acid 4095 with glutamine.
Molecular consequence: missense variant.
Genome position (GRCh38, 1-based): chr8:47,774,277, C>G on the plus strand (G>C on the coding strand, the complement: PRKDC is on the minus strand). VCF-style: chr8-47774277-C-G. GRCh37 (hg19) VCF-style: chr8-48686838-C-G.
Other names: c.12190G>C, p.Glu4064Gln (NM_001081640.2); short protein forms E4064Q, E4095Q.
Identifiers: ClinVar variation 1055442 (VCV001055442.3), dbSNP rs2154497172, ClinGen allele CA371126671.
Genomic context (GRCh38, chr8:47,774,277, plus strand): 5'-TGGGGTCTGTTGCCTGGTCCATCAGGCACTTCACTTGAGTCTCTTCTGAAAGCCCACTCT[C>G]TGGTTCTTGGGCACGAATGTTGTGATCTTTGCTTCCTCGTGCCACAGCCACATAGTCTCT-3'
Protein context (NP_008835.5, residues 4085-4105): KDHNIRAQEP[Glu4095Gln]SGLSEETQVK